The following is an entry in ClinVar:

ClinVar aggregate classification (germline): Conflicting classifications of pathogenicity. Review status: criteria provided, conflicting classifications (1 of 4 stars). 4 submissions from 4 submitters: Likely pathogenic (1); Uncertain significance (3). Last evaluated 2026-08-03.

Conditions:
Arrhythmogenic right ventricular dysplasia 8 (ARVD8). Also called: Arrhythmogenic Right Ventricular Dysplasia/Cardiomyopathy 8; ARRHYTHMOGENIC RIGHT VENTRICULAR DYSPLASIA, FAMILIAL, 8; ARRHYTHMOGENIC RIGHT VENTRICULAR CARDIOMYOPATHY 8. Identifiers: MedGen C1843896, MONDO:0011831, OMIM 607450.
Inborn genetic diseases. Identifiers: MedGen C0950123, MeSH D030342.
Complex cortical dysplasia with other brain malformations 1. Identifiers: Orphanet 300570, MedGen C3808397, MONDO:0013541, OMIM 614039.

Allele frequency attached by ClinVar (database versions not stated): gnomAD exomes below 0.00001.
gnomAD v4.1: 1 of 1,614,100 alleles (0.000062%); no homozygotes.

Submissions (4):

Institute of Human Genetics, University of Leipzig Medical Center
Classification: Uncertain significance for Complex cortical dysplasia with other brain malformations 1. Last evaluated: 2026-08-03. Review status: criteria provided, single submitter. Criteria: ACMG Guidelines, 2015. Collection method: clinical testing. Allele origin: maternal. Inheritance: Autosomal dominant inheritance. Affected: yes.
Comment: Criteria applied: PS4_MOD,PM2_SUP,PP2,PP3

Ambry Genetics
Classification: Uncertain significance for Inborn genetic diseases. Last evaluated: 2025-12-23. Review status: criteria provided, single submitter. Criteria: Ambry Variant Classification Scheme 2023. Collection method: clinical testing. Allele origin: germline.
Comment: The c.935C>T (p.T312M) alteration is located in exon 4 (coding exon 4) of the TUBB3 gene. This alteration results from a C to T substitution at nucleotide position 935, causing the threonine (T) at amino acid position 312 to be replaced by a methionine (M). This variant was not reported in population-based cohorts in the Genome Aggregation Database (gnomAD). This variant was identified in one or more individuals with features consistent with TUBB3-related tubulinopathy (Blumkin, 2020; Nissenkorn, 2021; Libzon, 2025; external communication) and segregated with disease in at least one family (Blumkin, 2020; Nissenkorn, 2021; Libzon, 2025). This amino acid position is highly conserved in available vertebrate species. This missense alteration is located in a region that has a low rate of benign missense variation (Lek, 2016; Firth, 2009). This alteration is predicted to be deleterious by in silico analysis. Based on insufficient or conflicting evidence, the clinical significance of this alteration remains unclear.

GeneDx
Classification: Uncertain significance. Last evaluated: 2024-06-07. Review status: criteria provided, single submitter. Criteria: GeneDx Variant Classification Process June 2021. Collection method: clinical testing. Allele origin: germline. Affected: yes.
Comment: Not observed at significant frequency in large population cohorts (gnomAD); The majority of missense variants in this gene are considered pathogenic (HGMD); In silico analysis supports that this missense variant has a deleterious effect on protein structure/function; This variant is associated with the following publications: (PMID: 20829227, 33413009, 32169460)

Clinical Genomics Laboratory, Washington University in St. Louis
Classification: Likely pathogenic for Complex cortical dysplasia with other brain malformations 1. Last evaluated: 2024-02-01. Review status: criteria provided, single submitter. Criteria: ACMG Guidelines, 2015. Collection method: clinical testing. Allele origin: germline. Affected: yes.
Comment: The TUBB3 c.935C>T (p.Thr312Met) variant, also known as c.719C>T (p.Thr240Met) on NM_001197181.2, has been reported to segregate with brain malformation in one family with three living affected family members (Blumkin L et al., PMID: 32169460; Nissenkorn A et al., PMID: 33413009). Additionally, this variant has been reported to occur de novo in an individual with Tourette syndrome, but no additional details on this individual were provided (Wang S et al., PMID: 30257206). This variant has been reported in the ClinVar database as a germline variant of uncertain significance by two submitters. Computational predictors indicate that the variant is damaging, evidence that correlates with impact to TUBB3 function. Additionally, a variant in the highly related tubulin, TUBB2, in the analogous amino acid, p.Thr312Met, has been reported to occur de novo in an individual with asymmetrical polymicrogyria (Jaglin XH et al., PMID: 19465910) and the TUBB2 p.Thr312Met variant is reported to alter tubulin localization (Niwa S et al., PMID: 23503589). Based on available information and the ACMG/AMP guidelines for variant interpretation (Richards S et al., PMID: 25741868), this variant is classified as likely pathogenic.

Literature cited by the submitters: PubMed 32169460 (cited by Ambry Genetics); PubMed 33413009 (cited by Ambry Genetics); PubMed 39259028 (cited by Ambry Genetics).

NM_006086.4(TUBB3):c.935C>T (p.Thr312Met)

Gene: TUBB3 (tubulin beta 3 class III; plus strand). Cytogenetic location: 16q24.3.
Variant type: single nucleotide variant.
Coding change: c.935C>T on transcript NM_006086.4 (MANE Select); coding-DNA position 935, C replaced by T.
Protein change: p.Thr312Met; replaces threonine 312 with methionine.
Molecular consequence: missense variant.
Genome position (GRCh38, 1-based): chr16:89,935,386, C>T. VCF-style: chr16-89935386-C-T. GRCh37 (hg19) VCF-style: chr16-90001794-C-T.
Other names: c.719C>T, p.Thr240Met (NM_001197181.2); short protein forms T240M, T312M.
Identifiers: ClinVar variation 1303397 (VCV001303397.8), dbSNP rs777771368, ClinGen allele CA397476003.